The following is an entry in ClinVar:

ClinVar aggregate classification (germline): Uncertain significance. Review status: criteria provided, multiple submitters, no conflicts (2 of 4 stars). 2 submissions from 2 submitters: Uncertain significance (2). Last evaluated 2024-04-25.

Conditions:
Catecholaminergic polymorphic ventricular tachycardia (CVPT). Also called: Catecholamine-induced polymorphic ventricular tachycardia. Identifiers: Orphanet 3286, MedGen C5574922, MONDO:0017990.
Cardiomyopathy (CMYO). Also called: Cardiomyopathies. Identifiers: Orphanet 167848, MedGen C0878544, MONDO:0004994, HP:0001638. Inheritance: Various modes of inheritance.

Submissions (2):

All of Us Research Program, National Institutes of Health
Classification: Uncertain significance for Catecholaminergic polymorphic ventricular tachycardia. Last evaluated: 2024-04-25. Review status: criteria provided, single submitter. Criteria: ACMG Guidelines, 2015. Collection method: clinical testing. Allele origin: germline. Inheritance: Autosomal dominant inheritance. Observed: 1 variant allele, 1 heterozygote.
Comment: Variant of Uncertain Significance due to insufficient evidence: This missense variant replaces serine with asparagine at codon 2947 of the RYR2 protein. Computational prediction tools and conservation analyses are inconclusive regarding the impact of this variant on the protein function. Computational splicing tools suggest that this variant may not impact RNA splicing. To our knowledge, functional assays have not been performed for this variant nor has this variant been reported in individuals affected with cardiovascular disorders in the literature. This variant is rare in the general population and has been identified in 0/277264 chromosomes by the Genome Aggregation Database (gnomAD). Available evidence is insufficient to determine the role of this variant in disease conclusively.

This study involves interpretation of variants in research participants for the purpose of population health screening. Participant phenotype was not available at the time of variant classification. Additional details can be found in publication PMID: 35346344, PMCID: PMC8962531

Color Diagnostics, LLC DBA Color Health
Classification: Uncertain significance for Cardiomyopathy. Last evaluated: 2023-12-04. Review status: criteria provided, single submitter. Criteria: ACMG Guidelines, 2015. Collection method: clinical testing. Allele origin: germline.
Comment: Variant of Uncertain Significance due to insufficient evidence: This missense variant replaces serine with asparagine at codon 2947 of the RYR2 protein. Computational prediction tools and conservation analyses are inconclusive regarding the impact of this variant on the protein function. Computational splicing tools suggest that this variant may not impact RNA splicing. To our knowledge, functional assays have not been performed for this variant nor has this variant been reported in individuals affected with cardiovascular disorders in the literature. This variant is rare in the general population and has been identified in 0/277264 chromosomes by the Genome Aggregation Database (gnomAD). Available evidence is insufficient to determine the role of this variant in disease conclusively.

NM_001035.3(RYR2):c.8840G>A (p.Ser2947Asn)

Gene: RYR2 (ryanodine receptor 2; plus strand). Cytogenetic location: 1q43.
Variant type: single nucleotide variant.
Coding change: c.8840G>A on transcript NM_001035.3 (MANE Select); coding-DNA position 8840, G replaced by A.
Protein change: p.Ser2947Asn; replaces serine 2947 with asparagine.
Molecular consequence: missense variant.
Genome position (GRCh38, 1-based): chr1:237,678,057, G>A. VCF-style: chr1-237678057-G-A. GRCh37 (hg19) VCF-style: chr1-237841357-G-A.
Other names: short protein forms S2947N.
Identifiers: ClinVar variation 919326 (VCV000919326.6), dbSNP rs1685553588, ClinGen allele CA345403558.
Genomic context (GRCh38, chr1:237,678,057, plus strand): 5'-CTTGCAATGTTTCCAGTGCAGCATTTACCTAAAAACTCTTCAAATCTACAGATGGTGGCA[G>A]CAGAGGCAAAGGAGAACATTTCCCTTATGAACAAGAAATCAAGTTCTTTGCAAAAGTACA-3'
Protein context (NP_001026.2, residues 2937-2957): HQYILEFDGG[Ser2947Asn]RGKGEHFPYE